The following is an entry in ClinVar:

NM_024496.4(IRF2BPL):c.1164C>T (p.Tyr388=)

Gene: IRF2BPL (interferon regulatory factor 2 binding protein like; minus strand). Cytogenetic location: 14q24.3.
Variant type: single nucleotide variant.
Coding change: c.1164C>T on transcript NM_024496.4 (MANE Select); coding-DNA position 1164, C replaced by T.
Protein change: p.Tyr388=; no amino-acid change (tyrosine 388 retained).
Molecular consequence: synonymous variant.
Genome position (GRCh38, 1-based): chr14:77,026,629, G>A on the plus strand (C>T on the coding strand, the complement: IRF2BPL is on the minus strand). VCF-style: chr14-77026629-G-A. GRCh37 (hg19) VCF-style: chr14-77492972-G-A.
Identifiers: ClinVar variation 5040400 (VCV005040400.1).

ClinVar aggregate classification (germline): Likely benign (1 of 4 stars; one submission).

gnomAD v4.1: 1 of 1,613,780 alleles (0.000062%); no homozygotes.

Submission:

CeGaT Center for Human Genetics Tuebingen
Classification: Likely benign. Last evaluated: 2026-08-01. Review status: criteria provided, single submitter. Criteria: CeGaT Center For Human Genetics Tuebingen Variant Classification Criteria Version 2. Collection method: clinical testing. Allele origin: germline. Affected: yes. Observed: 1 variant allele.
Comment: IRF2BPL: BP4, BP7